The following is an entry in ClinVar:

NM_006031.6(PCNT):c.6935A>C (p.Glu2312Ala)

Gene: PCNT (pericentrin; plus strand). Cytogenetic location: 21q22.3.
Variant type: single nucleotide variant.
Coding change: c.6935A>C on transcript NM_006031.6 (MANE Select); coding-DNA position 6935, A replaced by C.
Protein change: p.Glu2312Ala; replaces glutamic acid 2312 with alanine.
Molecular consequence: missense variant.
Genome position (GRCh38, 1-based): chr21:46,418,217, A>C. VCF-style: chr21-46418217-A-C. GRCh37 (hg19) VCF-style: chr21-47838131-A-C.
Other names: c.6581A>C, p.Glu2194Ala (NM_001315529.2); short protein forms E2312A, E2194A.
Identifiers: ClinVar variation 1507466 (VCV001507466.5), dbSNP rs2147796645, ClinGen allele CA410566068.
Genomic context (GRCh38, chr21:46,418,217, plus strand): 5'-GATGTAATTACTCATTATTTTATGACCATTTAAAAATCTCTTAACAGGAGAAAGATGTCG[A>C]AGATTTTATCACAACATCCTTTGATTCTCAAGAAACATTAAGTTCACCTCCTCCTGGATT-3'
Protein context (NP_006022.3, residues 2302-2322): VQRTAVEKDV[Glu2312Ala]DFITTSFDSQ

ClinVar aggregate classification (germline): Uncertain significance (1 of 4 stars; one submission).

Submission:

Labcorp Genetics (formerly Invitae), Labcorp
Classification: Uncertain significance. Last evaluated: 2021-09-01. Review status: criteria provided, single submitter. Criteria: Invitae Variant Classification Sherloc (09022015). Collection method: clinical testing. Allele origin: germline.
Comment: This sequence change replaces glutamic acid with alanine at codon 2312 of the PCNT protein (p.Glu2312Ala). The glutamic acid residue is moderately conserved and there is a moderate physicochemical difference between glutamic acid and alanine. This variant is not present in population databases (ExAC no frequency). This variant has not been reported in the literature in individuals affected with PCNT-related conditions. Algorithms developed to predict the effect of missense changes on protein structure and function are either unavailable or do not agree on the potential impact of this missense change (SIFT: "Deleterious"; PolyPhen-2: "Possibly Damaging"; Align-GVGD: "Class C0"). In summary, the available evidence is currently insufficient to determine the role of this variant in disease. Therefore, it has been classified as a Variant of Uncertain Significance.